The following is an entry in ClinVar:

ClinVar aggregate classification (germline): Uncertain significance (1 of 4 stars; one submission).

Conditions:
BBS4-related disorder. Also called: BBS4-related condition.

gnomAD v4.1: 40 of 1,613,880 alleles (0.0025%); highest among the groups gnomAD compares: East Asian, 0.02%; no homozygotes.

Submission:

PreventionGenetics, part of Exact Sciences
Classification: Uncertain significance for BBS4-related condition. Last evaluated: 2026-07-31. Review status: criteria provided, single submitter. Criteria: ACMG Guidelines, 2015. Collection method: clinical testing. Allele origin: germline.
Comment: The BBS4 c.1167G>C variant is predicted to result in the amino acid substitution p.Lys389Asn. To our knowledge, this variant has not been reported in the literature. This variant is reported in 0.020% of alleles in individuals of East Asian descent in gnomAD. At this time, the clinical significance of this variant is uncertain due to the absence of conclusive functional and genetic evidence.

NM_033028.5(BBS4):c.1167G>C (p.Lys389Asn)

Gene: BBS4 (Bardet-Biedl syndrome 4; plus strand). Cytogenetic location: 15q24.1.
Variant type: single nucleotide variant.
Coding change: c.1167G>C on transcript NM_033028.5 (MANE Select); coding-DNA position 1167, G replaced by C.
Protein change: p.Lys389Asn; replaces lysine 389 with asparagine.
Molecular consequence: missense variant. On other transcripts: non-coding transcript variant (2).
Genome position (GRCh38, 1-based): chr15:72,735,885, G>C. VCF-style: chr15-72735885-G-C. GRCh37 (hg19) VCF-style: chr15-73028226-G-C.
Other names: c.651G>C, p.Lys217Asn (NM_001252678.2); c.1098G>C, p.Lys366Asn (NM_001320665.2); short protein forms K366N, K217N, K389N.
Identifiers: ClinVar variation 4979032 (VCV004979032.1).